The following is an entry in ClinVar:

ClinVar aggregate classification (germline): Uncertain significance. Review status: criteria provided, multiple submitters, no conflicts (2 of 4 stars). 2 submissions from 2 submitters: Uncertain significance (2). Last evaluated 2023-07-14.

Conditions:
Hereditary cancer-predisposing syndrome. Also called: Hereditary Cancer Syndrome; Hereditary neoplastic syndrome; Tumor predisposition; Neoplastic Syndromes, Hereditary. Identifiers: Orphanet 140162, MedGen C0027672, MeSH D009386, MONDO:0015356.
Microcephaly, normal intelligence and immunodeficiency (NBS). Also called: IMMUNODEFICIENCY, MICROCEPHALY, AND CHROMOSOMAL INSTABILITY; Immunodeficiency, microcephaly with normal intelligence; SEEMANOVA SYNDROME II; Ataxia telangiectasia variant V1; Microcephaly with normal intelligence immunodeficiency and lymphoreticular malignancies; Nonsyndromal microcephaly autosomal recessive with normal intelligence. Identifiers: Orphanet 647, MedGen C0398791, MONDO:0009623, OMIM 251260.

Submissions (2):

Labcorp Genetics (formerly Invitae), Labcorp
Classification: Uncertain significance for Microcephaly, normal intelligence and immunodeficiency. Last evaluated: 2023-07-14. Review status: criteria provided, single submitter. Criteria: Invitae Variant Classification Sherloc (09022015). Collection method: clinical testing. Allele origin: germline.
Comment: This sequence change replaces threonine, which is neutral and polar, with isoleucine, which is neutral and non-polar, at codon 524 of the NBN protein (p.Thr524Ile). This variant is not present in population databases (gnomAD no frequency). This variant has not been reported in the literature in individuals affected with NBN-related conditions. ClinVar contains an entry for this variant (Variation ID: 1358634). An algorithm developed to predict the effect of missense changes on protein structure and function (PolyPhen-2) suggests that this variant¬†is likely to be tolerated. In summary, the available evidence is currently insufficient to determine the role of this variant in disease. Therefore, it has been classified as a Variant of Uncertain Significance.

Ambry Genetics
Classification: Uncertain significance for Hereditary cancer-predisposing syndrome. Last evaluated: 2022-09-11. Review status: criteria provided, single submitter. Criteria: Ambry Variant Classification Scheme 2023. Collection method: clinical testing. Allele origin: germline.
Comment: The p.T524I variant (also known as c.1571C>T), located in coding exon 11 of the NBN gene, results from a C to T substitution at nucleotide position 1571. The threonine at codon 524 is replaced by isoleucine, an amino acid with similar properties. This amino acid position is conserved. In addition, this alteration is predicted to be tolerated by in silico analysis. Since supporting evidence is limited at this time, the clinical significance of this alteration remains unclear.

NM_002485.5(NBN):c.1571C>T (p.Thr524Ile)

Gene: NBN (nibrin; minus strand). Cytogenetic location: 8q21.3.
Variant type: single nucleotide variant.
Coding change: c.1571C>T on transcript NM_002485.5 (MANE Select); coding-DNA position 1571, C replaced by T.
Protein change: p.Thr524Ile; replaces threonine 524 with isoleucine.
Molecular consequence: missense variant.
Genome position (GRCh38, 1-based): chr8:89,953,518, G>A on the plus strand (C>T on the coding strand, the complement: NBN is on the minus strand). VCF-style: chr8-89953518-G-A. GRCh37 (hg19) VCF-style: chr8-90965746-G-A.
Other names: c.1325C>T, p.Thr442Ile (NM_001024688.3); short protein forms T442I, T524I.
Identifiers: ClinVar variation 1358634 (VCV001358634.6), dbSNP rs2129700864, ClinGen allele CA371655569.